The following is an entry in ClinVar:

ClinVar aggregate classification (germline): Uncertain significance (1 of 4 stars; one submission).

Conditions:
Cardiovascular phenotype. Identifiers: MedGen CN230736.
Hereditary cancer-predisposing syndrome. Also called: Neoplastic Syndromes, Hereditary; Tumor predisposition; Hereditary neoplastic syndrome; Hereditary Cancer Syndrome. Identifiers: Orphanet 140162, MedGen C0027672, MeSH D009386, MONDO:0015356.

Submission:

Ambry Genetics
Classification: Uncertain significance for Cardiovascular phenotype; Hereditary cancer-predisposing syndrome. Last evaluated: 2026-07-29. Review status: criteria provided, single submitter. Criteria: Ambry Variant Classification Scheme 2023. Collection method: clinical testing. Allele origin: germline.
Comment: The p.N359Y variant (also known as c.1075A>T), located in coding exon 10 of the NF1 gene, results from an A to T substitution at nucleotide position 1075. The asparagine at codon 359 is replaced by tyrosine, an amino acid with dissimilar properties. This amino acid position is conserved. In addition, the in silico prediction for this alteration is inconclusive. Based on the available evidence, the clinical significance of this variant remains unclear.

NM_001042492.3(NF1):c.1075A>T (p.Asn359Tyr)

Gene: NF1 (neurofibromin 1; plus strand). Cytogenetic location: 17q11.2.
Variant type: single nucleotide variant.
Coding change: c.1075A>T on transcript NM_001042492.3 (MANE Select); coding-DNA position 1075, A replaced by T.
Protein change: p.Asn359Tyr; replaces asparagine 359 with tyrosine.
Molecular consequence: missense variant.
Genome position (GRCh38, 1-based): chr17:31,201,049, A>T. VCF-style: chr17-31201049-A-T. GRCh37 (hg19) VCF-style: chr17-29528067-A-T.
Other names: c.1075A>T, p.Asn359Tyr (NM_000267.4, NM_001128147.3); short protein forms N359Y.
Identifiers: ClinVar variation 5025596 (VCV005025596.1).